The following is an entry in ClinVar:

ClinVar aggregate classification (germline): Likely pathogenic (1 of 4 stars; one submission).

Conditions:
Alport syndrome. Also called: Hemorrhagic familial nephritis; Hemorrhagic hereditary nephritis; Congenital hereditary hematuria. Identifiers: Orphanet 63, MedGen C1567741, MONDO:0018965.

Submission:

Natera, Inc.
Classification: Likely pathogenic for Alport syndrome. Last evaluated: 2024-05-02. Review status: criteria provided, single submitter. Criteria: Natera Variant Classification Schema (03/2026). Collection method: clinical testing. Allele origin: germline.
Comment: The c.4703dupT variant in COL4A4 is a frameshift variant predicted to shift the reading frame beginning at codon 1569 and leads to a stop codon 65 codons downstream. This variant is expected to result in nonsense mediated decay, truncation, or a dysfunctional protein product. This variant is rare in the general population with a frequency below the threshold expected for the associated phenotype(s). Given the available evidence, this variant is classified as Likely Pathogenic.

NM_000092.5(COL4A4):c.4703dup (p.Cys1569fs)

Gene: COL4A4 (collagen type IV alpha 4 chain; minus strand). Cytogenetic location: 2q36.3.
Variant type: Duplication.
Coding change: c.4703dup on transcript NM_000092.5 (MANE Select); coding-DNA position 4703, one base duplicated (T; older notation c.4703dupT).
Protein change: p.Cys1569fs; shifts the reading frame from cysteine 1569.
Molecular consequence: frameshift variant.
Genome position (GRCh38, 1-based): chr2:227,008,124, A duplicated on the plus strand (T on the coding strand, the reverse complement: COL4A4 is on the minus strand). VCF-style (leftmost placement, unchanged base first): chr2-227008123-T-TA. GRCh37 (hg19) VCF-style: chr2-227872839-T-TA.
Other names: c.4703dupT (NM_000092.4); short protein forms C1569fs.
Identifiers: ClinVar variation 4817345 (VCV004817345.1).
Genomic context (GRCh38, chr2:227,008,123, plus strand): 5'-ACATGGGGGGATGGACTGGTCCTGGCTGTGCACCGCCACCGCCTGGGCCGGGGCCTCGCA[T>TA]ACCGCACAGCGGCTGACATAGGGGCGGATCGCCTCTTCAGAGAGTGGCATCATGGGGAGG-3'